The following is an entry in ClinVar:

NM_017514.5(PLXNA3):c.5478G>A (p.Ala1826=)

Gene: PLXNA3 (plexin A3; plus strand). Cytogenetic location: Xq28.
Variant type: single nucleotide variant.
Coding change: c.5478G>A on transcript NM_017514.5 (MANE Select); coding-DNA position 5478, G replaced by A.
Protein change: p.Ala1826=; no amino-acid change (alanine 1826 retained).
Molecular consequence: synonymous variant.
Genome position (GRCh38, 1-based): chrX:154,471,596, G>A. VCF-style: chrX-154471596-G-A. GRCh37 (hg19) VCF-style: chrX-153699939-G-A.
Identifiers: ClinVar variation 723018 (VCV000723018.4), dbSNP rs149665008, ClinGen allele CA10565131.

ClinVar aggregate classification (germline): Likely benign. Review status: criteria provided, single submitter (1 of 4 stars). 2 submissions from 2 submitters: Likely benign (1). 1 of the submissions does not count toward it. Last evaluated 2018-03-29.

Conditions:
PLXNA3-related disorder. Also called: PLXNA3-related condition.

Allele frequency attached by ClinVar (database versions not stated): gnomAD exomes 0.00009 and 0.00003; ESP Exome Variant Server 0.00019; ExAC 0.00007; gnomAD 0.00020 and 0.00018; TOPMed 0.00018.
gnomAD v4.1: 55 of 1,209,150 alleles (0.0045%); highest among the groups gnomAD compares: African/African-American, 0.066%; no homozygotes.

Submissions (2):

Labcorp Genetics (formerly Invitae), Labcorp
Classification: Likely benign. Last evaluated: 2018-03-29. Review status: criteria provided, single submitter. Criteria: Invitae Variant Classification Sherloc (09022015). Collection method: clinical testing. Allele origin: germline.

PreventionGenetics, part of Exact Sciences
Classification: Likely benign for PLXNA3-related condition. Last evaluated: 2022-09-30. Review status: no assertion criteria provided. Collection method: clinical testing. Allele origin: germline. Not counted in ClinVar's aggregate classification.
Comment: This variant is classified as likely benign based on ACMG/AMP sequence variant interpretation guidelines (Richards et al. 2015 PMID: 25741868, with internal and published modifications).